The following is an entry in ClinVar:

ClinVar aggregate classification (germline): Uncertain significance (1 of 4 stars; one submission).

Conditions:
Hereditary cancer-predisposing syndrome. Also called: Tumor predisposition; Hereditary neoplastic syndrome; Hereditary Cancer Syndrome; Neoplastic Syndromes, Hereditary. Identifiers: Orphanet 140162, MedGen C0027672, MeSH D009386, MONDO:0015356.

Submission:

Color Diagnostics, LLC DBA Color Health
Classification: Uncertain significance for Hereditary cancer-predisposing syndrome. Last evaluated: 2020-06-08. Review status: criteria provided, single submitter. Criteria: ACMG Guidelines, 2015. Collection method: clinical testing. Allele origin: germline.
Comment: This missense variant replaces phenylalanine with cysteine at codon 123 of the APC protein. Computational prediction suggests that this variant may not impact protein structure and function (internally defined REVEL score threshold <= 0.5, PMID: 27666373). To our knowledge, functional studies have not been reported for this variant. This variant has not been reported in individuals affected with hereditary cancer in the literature. This variant has not been identified in the general population by the Genome Aggregation Database (gnomAD). The available evidence is insufficient to determine the role of this variant in disease conclusively. Therefore, this variant is classified as a Variant of Uncertain Significance.

NM_000038.6(APC):c.368T>G (p.Phe123Cys)

Gene: APC (APC regulator of Wnt signaling pathway; plus strand). Cytogenetic location: 5q22.2.
Variant type: single nucleotide variant.
Coding change: c.368T>G on transcript NM_000038.6 (MANE Select); coding-DNA position 368, T replaced by G.
Protein change: p.Phe123Cys; replaces phenylalanine 123 with cysteine.
Molecular consequence: missense variant. On other transcripts: 5 prime UTR variant (1).
Genome position (GRCh38, 1-based): chr5:112,767,336, T>G. VCF-style: chr5-112767336-T-G. GRCh37 (hg19) VCF-style: chr5-112103033-T-G.
Other names: c.368T>G, p.Phe123Cys (NM_001127510.3, NM_001354895.2, NM_001354896.2 and 2 more transcripts); c.398T>G, p.Phe133Cys (NM_001127511.3, NM_001354897.2, NM_001354902.2); c.293T>G, p.Phe98Cys (NM_001354898.2, NM_001354904.2); c.191T>G, p.Phe64Cys (NM_001354900.2, NM_001354901.2, NM_001354905.2); c.-668T>G (NM_001354906.2); short protein forms F123C, F133C, F64C, F98C.
Identifiers: ClinVar variation 1171442 (VCV001171442.2), dbSNP rs2149789391, ClinGen allele CA16022125.